The following is an entry in ClinVar:

ClinVar aggregate classification (germline): Uncertain significance (1 of 4 stars; one submission).

Submission:

Labcorp Genetics (formerly Invitae), Labcorp
Classification: Uncertain significance. Last evaluated: 2022-08-27. Review status: criteria provided, single submitter. Criteria: Invitae Variant Classification Sherloc (09022015). Collection method: clinical testing. Allele origin: germline.
Comment: This sequence change replaces serine, which is neutral and polar, with glycine, which is neutral and non-polar, at codon 835 of the TNNI3K protein (p.Ser835Gly). In summary, the available evidence is currently insufficient to determine the role of this variant in disease. Therefore, it has been classified as a Variant of Uncertain Significance. Algorithms developed to predict the effect of missense changes on protein structure and function output the following: SIFT: "Tolerated"; PolyPhen-2: "Benign"; Align-GVGD: "Class C0". The glycine amino acid residue is found in multiple mammalian species, which suggests that this missense change does not adversely affect protein function. This variant has not been reported in the literature in individuals affected with TNNI3K-related conditions. This variant is not present in population databases (gnomAD no frequency).

NM_015978.3(TNNI3K):c.2503A>G (p.Ser835Gly)

Genes: TNNI3K (TNNI3 interacting kinase; plus strand), FPGT-TNNI3K (FPGT-TNNI3K readthrough; plus strand). Cytogenetic location: 1p31.1.
Variant type: single nucleotide variant.
Coding change: c.2503A>G on transcript NM_015978.3 (MANE Select); coding-DNA position 2503, A replaced by G.
Protein change: p.Ser835Gly; replaces serine 835 with glycine.
Molecular consequence: missense variant.
Genome position (GRCh38, 1-based): chr1:74,543,977, A>G. VCF-style: chr1-74543977-A-G. GRCh37 (hg19) VCF-style: chr1-75009661-A-G.
Other names: c.2806A>G, p.Ser936Gly (NM_001112808.3); short protein forms S835G, S936G.
Identifiers: ClinVar variation 1718086 (VCV001718086.5), dbSNP rs2525236037, ClinGen allele CA340799739.